The following is an entry in ClinVar:

NM_002184.4(IL6ST):c.1672T>C (p.Tyr558His)

Gene: IL6ST (interleukin 6 cytokine family signal transducer; minus strand). Cytogenetic location: 5q11.2.
Variant type: single nucleotide variant.
Coding change: c.1672T>C on transcript NM_002184.4 (MANE Select); coding-DNA position 1672, T replaced by C.
Protein change: p.Tyr558His; replaces tyrosine 558 with histidine.
Molecular consequence: missense variant. On other transcripts: 3 prime UTR variant (1), non-coding transcript variant (2).
Genome position (GRCh38, 1-based): chr5:55,951,956, A>G on the plus strand (T>C on the coding strand, the complement: IL6ST is on the minus strand). VCF-style: chr5-55951956-A-G. GRCh37 (hg19) VCF-style: chr5-55247784-A-G.
Other names: c.1489T>C, p.Tyr497His (NM_001190981.2); c.1570T>C, p.Tyr524His (NM_001364275.2); c.1462T>C, p.Tyr488His (NM_001364276.2); c.805T>C, p.Tyr269His (NM_001364277.2); c.769T>C, p.Tyr257His (NM_001364278.2); c.676T>C, p.Tyr226His (NM_001364279.2); c.*599T>C (NM_175767.3); short protein forms Y257H, Y497H, Y524H, Y558H, Y488H, Y226H, Y269H.
Identifiers: ClinVar variation 2755565 (VCV002755565.3), dbSNP rs2533481353, ClinGen allele CA359761984.
Genomic context (GRCh38, chr5:55,951,956, plus strand): 5'-ACTGATTCTTAATAACTGATACAGTTTTATTACCAGTTTCATTTCCAATGATGGTTCTAT[A>G]AAATATAGTATAATTTCTGATAAATCCATTCTGAACATCAACAGGAAGTTGGTCCCACTC-3'
Protein context (NP_002175.2, residues 548-568): NGFIRNYTIF[Tyr558His]RTIIGNETAV

ClinVar aggregate classification (germline): Uncertain significance (1 of 4 stars; one submission).

Allele frequency attached by ClinVar (database versions not stated): gnomAD exomes below 0.00001.
gnomAD v4.1: 1 of 1,488,236 alleles (0.000067%); highest among the groups gnomAD compares: Middle Eastern, 0.017%; no homozygotes.

Submission:

Labcorp Genetics (formerly Invitae), Labcorp
Classification: Uncertain significance. Last evaluated: 2023-08-27. Review status: criteria provided, single submitter. Criteria: Invitae Variant Classification Sherloc (09022015). Collection method: clinical testing. Allele origin: germline.
Comment: This sequence change replaces tyrosine, which is neutral and polar, with histidine, which is basic and polar, at codon 558 of the IL6ST protein (p.Tyr558His). This variant is not present in population databases (gnomAD no frequency). This variant has not been reported in the literature in individuals affected with IL6ST-related conditions. An algorithm developed to predict the effect of missense changes on protein structure and function (PolyPhen-2) suggests that this variant is likely to be disruptive. In summary, the available evidence is currently insufficient to determine the role of this variant in disease. Therefore, it has been classified as a Variant of Uncertain Significance.